The following is an entry in ClinVar:

NM_000337.6(SGCD):c.*4A>G

Gene: SGCD (sarcoglycan delta; plus strand). Cytogenetic location: 5q33.3.
Variant type: single nucleotide variant.
Coding change: c.*4A>G on transcript NM_000337.6 (MANE Select); 4 bases downstream of the stop codon, A replaced by G.
Molecular consequence: 3 prime UTR variant.
Genome position (GRCh38, 1-based): chr5:156,759,394, A>G. VCF-style: chr5-156759394-A-G. GRCh37 (hg19) VCF-style: chr5-156186405-A-G.
Other names: c.*4A>G (NM_001128209.2).
Identifiers: ClinVar variation 382014 (VCV000382014.1), dbSNP rs144825977, ClinGen allele CA3530714.

ClinVar aggregate classification (germline): Likely benign (1 of 4 stars; one submission).

Allele frequency attached by ClinVar (database versions not stated): 1000 Genomes Project 0.00020; gnomAD exomes 0.00001; ExAC 0.00002; TOPMed 0.00006; gnomAD 0.00007; 1000 Genomes Project 30x 0.00016.

Submission:

GeneDx
Classification: Likely benign. Last evaluated: 2017-01-12. Review status: criteria provided, single submitter. Criteria: GeneDx Variant Classification (06012015). Collection method: clinical testing. Allele origin: germline. Affected: yes.
Comment: This variant is considered likely benign or benign based on one or more of the following criteria: it is a conservative change, it occurs at a poorly conserved position in the protein, it is predicted to be benign by multiple in silico algorithms, and/or has population frequency not consistent with disease.